The following is an entry in ClinVar:

ClinVar aggregate classification (germline): Uncertain significance. Review status: criteria provided, multiple submitters, no conflicts (2 of 4 stars). 2 submissions from 2 submitters: Uncertain significance (2). Last evaluated 2026-07-30.

Conditions:
Renal cell carcinoma. Identifiers: Orphanet 217071, MedGen C0007134, MeSH D002292, MONDO:0005086, HP:0005584.
Hereditary cancer-predisposing syndrome. Also called: Tumor predisposition; Hereditary Cancer Syndrome; Hereditary neoplastic syndrome; Neoplastic Syndromes, Hereditary. Identifiers: Orphanet 140162, MedGen C0027672, MeSH D009386, MONDO:0015356.

Allele frequency attached by ClinVar (database versions not stated): gnomAD exomes below 0.00001; ExAC 0.00001.
gnomAD v4.1: 1 of 1,613,950 alleles (0.000062%); highest among the groups gnomAD compares: Non-Finnish European, 0.000085%; no homozygotes.

Submissions (2):

Ambry Genetics
Classification: Uncertain significance for Hereditary cancer-predisposing syndrome. Last evaluated: 2026-07-30. Review status: criteria provided, single submitter. Criteria: Ambry Variant Classification Scheme 2023. Collection method: clinical testing. Allele origin: germline.
Comment: The p.D727A variant (also known as c.2180A>C), located in coding exon 8 of the MET gene, results from an A to C substitution at nucleotide position 2180. The aspartic acid at codon 727 is replaced by alanine, an amino acid with dissimilar properties. This amino acid position is highly conserved in available vertebrate species. In addition, this alteration is predicted to be deleterious by in silico analysis. Based on the available evidence, the clinical significance of this variant remains unclear.

Labcorp Genetics (formerly Invitae), Labcorp
Classification: Uncertain significance for Renal cell carcinoma. Last evaluated: 2024-08-01. Review status: criteria provided, single submitter. Criteria: Invitae Variant Classification Sherloc (09022015). Collection method: clinical testing. Allele origin: germline.
Comment: This sequence change replaces aspartic acid, which is acidic and polar, with alanine, which is neutral and non-polar, at codon 727 of the MET protein (p.Asp727Ala). This variant is present in population databases (rs767770443, gnomAD 0.0009%). This variant has not been reported in the literature in individuals affected with MET-related conditions. ClinVar contains an entry for this variant (Variation ID: 2125368). Advanced modeling of protein sequence and biophysical properties (such as structural, functional, and spatial information, amino acid conservation, physicochemical variation, residue mobility, and thermodynamic stability) performed at Invitae indicates that this missense variant is expected to disrupt MET protein function with a positive predictive value of 80%. In summary, the available evidence is currently insufficient to determine the role of this variant in disease. Therefore, it has been classified as a Variant of Uncertain Significance.

NM_000245.4(MET):c.2180A>C (p.Asp727Ala)

Gene: MET (MET proto-oncogene, receptor tyrosine kinase; plus strand). Cytogenetic location: 7q31.2.
Variant type: single nucleotide variant.
Coding change: c.2180A>C on transcript NM_000245.4 (MANE Select); coding-DNA position 2180, A replaced by C.
Protein change: p.Asp727Ala; replaces aspartic acid 727 with alanine.
Molecular consequence: missense variant.
Genome position (GRCh38, 1-based): chr7:116,758,536, A>C. VCF-style: chr7-116758536-A-C. GRCh37 (hg19) VCF-style: chr7-116398590-A-C.
Other names: c.2180A>C, p.Asp727Ala (NM_001127500.3, NM_001324401.3); c.890A>C, p.Asp297Ala (NM_001324402.2); short protein forms D297A, D727A.
Identifiers: ClinVar variation 2125368 (VCV002125368.6), dbSNP rs767770443, ClinGen allele CA4448419.